The following is an entry in ClinVar:

ClinVar aggregate classification (germline): Uncertain significance (1 of 4 stars; one submission).

Conditions:
Hypertrophic cardiomyopathy 10. Also called: CARDIOMYOPATHY, HYPERTROPHIC, MID-LEFT VENTRICULAR CHAMBER TYPE, 2; MYL2-Related Familial Hypertrophic Cardiomyopathy. Identifiers: MedGen C1834460, MONDO:0012112, OMIM 608758.

Submission:

Labcorp Genetics (formerly Invitae), Labcorp
Classification: Uncertain significance for Hypertrophic cardiomyopathy 10. Last evaluated: 2021-10-25. Review status: criteria provided, single submitter. Criteria: Invitae Variant Classification Sherloc (09022015). Collection method: clinical testing. Allele origin: germline.
Comment: This variant is not present in population databases (gnomAD no frequency). This variant has not been reported in the literature in individuals affected with MYL2-related conditions. Experimental studies and prediction algorithms are not available or were not evaluated, and the functional significance of this variant is currently unknown. In summary, the available evidence is currently insufficient to determine the role of this variant in disease. Therefore, it has been classified as a Variant of Uncertain Significance. This sequence change creates a premature translational stop signal (p.Gly162*) in the MYL2 gene. While this is not anticipated to result in nonsense mediated decay, it is expected to disrupt the last 5 amino acid(s) of the MYL2 protein.

NM_000432.4(MYL2):c.484G>T (p.Gly162Ter)

Gene: MYL2 (myosin light chain 2; minus strand). Cytogenetic location: 12q24.11.
Variant type: single nucleotide variant.
Coding change: c.484G>T on transcript NM_000432.4 (MANE Select); coding-DNA position 484, G replaced by T.
Protein change: p.Gly162Ter; replaces glycine 162 with a stop codon.
Molecular consequence: nonsense.
Genome position (GRCh38, 1-based): chr12:110,911,094, C>A on the plus strand (G>T on the coding strand, the complement: MYL2 is on the minus strand). VCF-style: chr12-110911094-C-A. GRCh37 (hg19) VCF-style: chr12-111348898-C-A.
Other names: short protein forms G162*.
Identifiers: ClinVar variation 1347212 (VCV001347212.6), dbSNP rs199474814, ClinGen allele CA386696715.
Genomic context (GRCh38, chr12:110,911,094, plus strand): 5'-CACTCTGCAAAGACGAGCCCAGGGCGCAGCAGCGAGCCCCCTCCTAGTCCTTCTCTTCTC[C>A]GTGGGTGATGATGTGCACCAGGTTCTTGTAGTCCAAGTTGCCAGTCACGTCAGGGGGGAA-3'